The following is an entry in ClinVar:

ClinVar aggregate classification (germline): Likely pathogenic (1 of 4 stars; one submission).

Submission:

GeneDx
Classification: Likely pathogenic. Last evaluated: 2015-11-23. Review status: criteria provided, single submitter. Criteria: GeneDx Variant Classification (06012015). Collection method: clinical testing. Allele origin: germline. Affected: yes.
Comment: This duplication of one nucleotide in FANCC is denoted c.175dupA at the cDNA level and p.Thr59AsnfsX4(T59NfsX4) at the protein level. The normal sequence, with the base that is duplicated in braces, is TAAT[A]CAGT. The duplication causes a frameshift, which changes a Threonine to an Asparagine at codon 59, and creates a premature stop codon at position 4 of the new reading frame. Although this variant has not, to our knowledge, been reported in the literature, it is predicted to cause loss of normal protein function through either protein truncation or nonsense-mediated mRNA decay. Based on the currently available information, we consider this duplication to be a likely pathogenic variant.

NM_000136.3(FANCC):c.175dup (p.Thr59fs)

Gene: FANCC (FA complementation group C; minus strand). Cytogenetic location: 9q22.32.
Variant type: Duplication.
Coding change: c.175dup on transcript NM_000136.3 (MANE Select); coding-DNA position 175, one base duplicated (A; older notation c.175dupA).
Protein change: p.Thr59fs; shifts the reading frame from threonine 59.
Molecular consequence: frameshift variant.
Genome position (GRCh38, 1-based): chr9:95,247,507, T duplicated on the plus strand (A on the coding strand, the reverse complement: FANCC is on the minus strand). VCF-style (leftmost placement, unchanged base first): chr9-95247506-G-GT. GRCh37 (hg19) VCF-style: chr9-98009788-G-GT.
Other names: c.175dup, p.Thr59fs (NM_001243743.2, NM_001243744.2); short protein forms T59fs.
Identifiers: ClinVar variation 234645 (VCV000234645.2), dbSNP rs1554857855, ClinGen allele CA10577383.
Genomic context (GRCh38, chr9:95,247,506, plus strand): 5'-AAAGGATTCCAACAAGCTTTTGCCAACAGTTGACCAATTGTGGGGAATCTTTCAATGACT[G>GT]TATTAGAATCCTGTGAAAGAAAAATAAATTTTGGTCAGTAAAGGCATTATGCAACTTAGA-3'